The following is an entry in ClinVar:

NM_001029883.3(PCARE):c.947A>C (p.Asn316Thr)

Gene: PCARE (photoreceptor cilium actin regulator; minus strand). Cytogenetic location: 2p23.2.
Variant type: single nucleotide variant.
Coding change: c.947A>C on transcript NM_001029883.3 (MANE Select); coding-DNA position 947, A replaced by C.
Protein change: p.Asn316Thr; replaces asparagine 316 with threonine.
Molecular consequence: missense variant.
Genome position (GRCh38, 1-based): chr2:29,073,315, T>G on the plus strand (A>C on the coding strand, the complement: PCARE is on the minus strand). VCF-style: chr2-29073315-T-G. GRCh37 (hg19) VCF-style: chr2-29296181-T-G.
Other names: short protein forms N316T.
Identifiers: ClinVar variation 1059388 (VCV001059388.5), dbSNP rs893826658, ClinGen allele CA44643541.

ClinVar aggregate classification (germline): Uncertain significance (1 of 4 stars; one submission).

Allele frequency attached by ClinVar (database versions not stated): gnomAD exomes below 0.00001 and 0.00001; gnomAD 0.00005; TOPMed 0.00006.
gnomAD v4.1: 14 of 1,613,912 alleles (0.00087%); highest among the groups gnomAD compares: African/African-American, 0.019%; no homozygotes.

Submission:

Labcorp Genetics (formerly Invitae), Labcorp
Classification: Uncertain significance. Last evaluated: 2022-07-11. Review status: criteria provided, single submitter. Criteria: Invitae Variant Classification Sherloc (09022015). Collection method: clinical testing. Allele origin: germline.
Comment: In summary, the available evidence is currently insufficient to determine the role of this variant in disease. Therefore, it has been classified as a Variant of Uncertain Significance. Algorithms developed to predict the effect of missense changes on protein structure and function (SIFT, PolyPhen-2, Align-GVGD) all suggest that this variant is likely to be tolerated. ClinVar contains an entry for this variant (Variation ID: 1059388). This variant has not been reported in the literature in individuals affected with PCARE-related conditions. This variant is present in population databases (no rsID available, gnomAD 0.02%). This sequence change replaces asparagine, which is neutral and polar, with threonine, which is neutral and polar, at codon 316 of the PCARE protein (p.Asn316Thr).